The following is an entry in ClinVar:

NM_024675.4(PALB2):c.66A>G (p.Ala22=)

Gene: PALB2 (partner and localizer of BRCA2; minus strand). Cytogenetic location: 16p12.2.
Variant type: single nucleotide variant.
Coding change: c.66A>G on transcript NM_024675.4 (MANE Select); coding-DNA position 66, A replaced by G.
Protein change: p.Ala22=; no amino-acid change (alanine 22 retained).
Molecular consequence: synonymous variant.
Genome position (GRCh38, 1-based): chr16:23,638,112, T>C on the plus strand (A>G on the coding strand, the complement: PALB2 is on the minus strand). VCF-style: chr16-23638112-T-C. GRCh37 (hg19) VCF-style: chr16-23649433-T-C.
Identifiers: ClinVar variation 381230 (VCV000381230.23), dbSNP rs1057520982, ClinGen allele CA16607223.

ClinVar aggregate classification (germline): Conflicting classifications of pathogenicity. Review status: criteria provided, conflicting classifications (1 of 4 stars). 6 submissions from 6 submitters: Uncertain significance (1); Benign (1); Likely benign (4). Last evaluated 2025-11-23.

Conditions:
Fanconi anemia complementation group N. Also called: PALB2-Related Fanconi Anemia. Identifiers: Orphanet 84, MedGen C1835817, MONDO:0012565, OMIM 610832. Disease mechanism: loss of function.
Hereditary cancer-predisposing syndrome. Also called: Hereditary neoplastic syndrome; Tumor predisposition; Neoplastic Syndromes, Hereditary; Hereditary Cancer Syndrome. Identifiers: Orphanet 140162, MedGen C0027672, MeSH D009386, MONDO:0015356.
Familial cancer of breast. Also called: Hereditary breast cancer; BREAST CANCER, FAMILIAL; hereditary breast carcinoma. Identifiers: Orphanet 227535, MedGen C0346153, MONDO:0016419, OMIM 114480. Disease mechanism: loss of function.

Allele frequency attached by ClinVar (database versions not stated): TOPMed below 0.00001; gnomAD exomes 0.00001.
gnomAD v4.1: 14 of 1,614,024 alleles (0.00087%); highest among the groups gnomAD compares: Non-Finnish European, 0.0011%; no homozygotes.

Submissions (6):

Labcorp Genetics (formerly Invitae), Labcorp
Classification: Likely benign for Familial cancer of breast. Last evaluated: 2025-11-23. Review status: criteria provided, single submitter. Criteria: Invitae Variant Classification Sherloc (09022015). Collection method: clinical testing. Allele origin: germline.

Myriad Genetics, Inc.
Classification: Benign for Familial cancer of breast. Last evaluated: 2025-01-09. Review status: criteria provided, single submitter. Criteria: Myriad Autosomal Dominant, Autosomal Recessive and X-Linked Classification Criteria (2023). Collection method: clinical testing. Allele origin: unknown.
Comment: This variant is considered benign. This variant is a silent/synonymous amino acid change and it is not expected to impact splicing.

GeneDx
Classification: Likely benign. Last evaluated: 2019-11-07. Review status: criteria provided, single submitter. Criteria: GeneDx Variant Classification Process June 2021. Collection method: clinical testing. Allele origin: germline. Affected: yes.

Color Diagnostics, LLC DBA Color Health
Classification: Likely benign for Hereditary cancer-predisposing syndrome. Last evaluated: 2018-02-05. Review status: criteria provided, single submitter. Criteria: ACMG Guidelines, 2015. Collection method: clinical testing. Allele origin: germline.

Illumina Laboratory Services, Illumina
Classification: Uncertain significance for Fanconi anemia complementation group N. Last evaluated: 2018-01-13. Review status: criteria provided, single submitter. Criteria: ICSL Variant Classification Criteria 13 December 2019. Collection method: clinical testing. Allele origin: germline.

Ambry Genetics
Classification: Likely benign for Hereditary cancer-predisposing syndrome. Last evaluated: 2016-04-13. Review status: criteria provided, single submitter. Criteria: Ambry Variant Classification Scheme 2023. Collection method: clinical testing. Allele origin: germline.